The following is an entry in ClinVar:

ClinVar aggregate classification (germline): Likely benign. Review status: criteria provided, multiple submitters, no conflicts (2 of 4 stars). 2 submissions from 2 submitters: Likely benign (2). Last evaluated 2025-06-11.

gnomAD v4.1: 8 of 1,614,138 alleles (0.0005%); highest among the groups gnomAD compares: African/African-American, 0.0067%; 1 homozygote.

Submissions (2):

Labcorp Genetics (formerly Invitae), Labcorp
Classification: Likely benign. Last evaluated: 2025-06-11. Review status: criteria provided, single submitter. Criteria: Invitae Variant Classification Sherloc (09022015). Collection method: clinical testing. Allele origin: germline.

CeGaT Center for Human Genetics Tuebingen
Classification: Likely benign. Last evaluated: 2022-04-01. Review status: criteria provided, single submitter. Criteria: CeGaT Center For Human Genetics Tuebingen Variant Classification Criteria Version 2. Collection method: clinical testing. Allele origin: germline. Affected: yes. Observed: 1 variant allele.
Comment: TUBB1: PM2:Supporting, BP4, BP7

NM_030773.4(TUBB1):c.921T>C (p.Arg307=)

Gene: TUBB1 (tubulin beta 1 class VI; plus strand). Cytogenetic location: 20q13.32.
Variant type: single nucleotide variant.
Coding change: c.921T>C on transcript NM_030773.4 (MANE Select); coding-DNA position 921, T replaced by C.
Protein change: p.Arg307=; no amino-acid change (arginine 307 retained).
Molecular consequence: synonymous variant.
Genome position (GRCh38, 1-based): chr20:59,024,348, T>C. VCF-style: chr20-59024348-T-C. GRCh37 (hg19) VCF-style: chr20-57599403-T-C.
Identifiers: ClinVar variation 2652454 (VCV002652454.25), dbSNP rs1415296335, ClinGen allele CA511316643.